The following is an entry in ClinVar:

ClinVar aggregate classification (germline): Uncertain significance (1 of 4 stars; one submission).

Allele frequency attached by ClinVar (database versions not stated): gnomAD exomes below 0.00001.
gnomAD v4.1: 5 of 1,612,508 alleles (0.00031%); highest among the groups gnomAD compares: Middle Eastern, 0.017%; no homozygotes.

Submission:

Labcorp Genetics (formerly Invitae), Labcorp
Classification: Uncertain significance. Last evaluated: 2024-01-04. Review status: criteria provided, single submitter. Criteria: Invitae Variant Classification Sherloc (09022015). Collection method: clinical testing. Allele origin: germline.
Comment: This sequence change replaces valine, which is neutral and non-polar, with isoleucine, which is neutral and non-polar, at codon 386 of the LOX protein (p.Val386Ile). This variant is not present in population databases (gnomAD no frequency). This variant has not been reported in the literature in individuals affected with LOX-related conditions. Advanced modeling of protein sequence and biophysical properties (such as structural, functional, and spatial information, amino acid conservation, physicochemical variation, residue mobility, and thermodynamic stability) performed at Invitae indicates that this missense variant is not expected to disrupt LOX protein function with a negative predictive value of 80%. In summary, the available evidence is currently insufficient to determine the role of this variant in disease. Therefore, it has been classified as a Variant of Uncertain Significance.

NM_002317.7(LOX):c.1156G>A (p.Val386Ile)

Genes: LOX (lysyl oxidase; minus strand), SRFBP1 (serum response factor binding protein 1; plus strand). Cytogenetic location: 5q23.1.
Variant type: single nucleotide variant.
Coding change: c.1156G>A on transcript NM_002317.7 (MANE Select); coding-DNA position 1156, G replaced by A.
Protein change: p.Val386Ile; replaces valine 386 with isoleucine.
Molecular consequence: missense variant.
Genome position (GRCh38, 1-based): chr5:122,070,144, C>T on the plus strand (G>A on the coding strand, the complement: LOX is on the minus strand). VCF-style: chr5-122070144-C-T. GRCh37 (hg19) VCF-style: chr5-121405839-C-T.
Other names: c.466G>A, p.Val156Ile (NM_001178102.2); c.265G>A, p.Val89Ile (NM_001317073.1); short protein forms V386I, V89I, V156I.
Identifiers: ClinVar variation 3001854 (VCV003001854.3), dbSNP rs2532901168, ClinGen allele CA360880315.
Genomic context (GRCh38, chr5:122,070,144, plus strand): 5'-GATGTCCTGTGTAGCGAATGTCACAGCGCACAACATTGTTGGTATAGTCAGATTCAGGAA[C>T]CAGGTAGCTGGGGTTTACACTGACCTGGGCAACACAAAGAGTTCCTCAGTATTTCTTTTT-3'
Protein context (NP_002308.2, residues 376-396): LKVSVNPSYL[Val386Ile]PESDYTNNVV